The following is an entry in ClinVar:

NM_003839.4(TNFRSF11A):c.836A>G (p.Gln279Arg)

Gene: TNFRSF11A (TNF receptor superfamily member 11a; plus strand). Cytogenetic location: 18q21.33.
Variant type: single nucleotide variant.
Coding change: c.836A>G on transcript NM_003839.4 (MANE Select); coding-DNA position 836, A replaced by G.
Protein change: p.Gln279Arg; replaces glutamine 279 with arginine.
Molecular consequence: missense variant. On other transcripts: intron variant (3).
Genome position (GRCh38, 1-based): chr18:62,368,753, A>G. VCF-style: chr18-62368753-A-G. GRCh37 (hg19) VCF-style: chr18-60035986-A-G.
Other names: c.794A>G, p.Gln265Arg (NM_001278268.2); c.783+1993A>G (NM_001270949.2); c.730+6960A>G (NM_001270950.2); c.616+8704A>G (NM_001270951.2); short protein forms Q279R, Q265R.
Identifiers: ClinVar variation 4722193 (VCV004722193.1).

ClinVar aggregate classification (germline): Uncertain significance (1 of 4 stars; one submission).

Submission:

Labcorp Genetics (formerly Invitae), Labcorp
Classification: Uncertain significance. Last evaluated: 2025-06-27. Review status: criteria provided, single submitter. Criteria: Invitae Variant Classification Sherloc (09022015). Collection method: clinical testing. Allele origin: germline.
Comment: This sequence change replaces glutamine, which is neutral and polar, with arginine, which is basic and polar, at codon 279 of the TNFRSF11A protein (p.Gln279Arg). This variant is not present in population databases (gnomAD no frequency). This variant has not been reported in the literature in individuals affected with TNFRSF11A-related conditions. An algorithm developed to predict the effect of missense changes on protein structure and function outputs the following: PolyPhen-2: "Benign". The arginine amino acid residue is found in multiple mammalian species, which suggests that this missense change does not adversely affect protein function. In summary, the available evidence is currently insufficient to determine the role of this variant in disease. Therefore, it has been classified as a Variant of Uncertain Significance.